The following is an entry in ClinVar:

NM_006904.7(PRKDC):c.8255A>G (p.Lys2752Arg)

Gene: PRKDC (protein kinase, DNA-activated, catalytic subunit; minus strand). Cytogenetic location: 8q11.21.
Variant type: single nucleotide variant.
Coding change: c.8255A>G on transcript NM_006904.7 (MANE Select); coding-DNA position 8255, A replaced by G.
Protein change: p.Lys2752Arg; replaces lysine 2752 with arginine.
Molecular consequence: missense variant.
Genome position (GRCh38, 1-based): chr8:47,831,824, T>C on the plus strand (A>G on the coding strand, the complement: PRKDC is on the minus strand). VCF-style: chr8-47831824-T-C. GRCh37 (hg19) VCF-style: chr8-48744385-T-C.
Other names: c.8255A>G, p.Lys2752Arg (NM_001081640.2); short protein forms K2752R.
Identifiers: ClinVar variation 3225923 (VCV003225923.1), dbSNP rs1406581738, ClinGen allele CA371147552.
Genomic context (GRCh38, chr8:47,831,824, plus strand): 5'-CTGTGACAGAAACTGCATCGTTCTGATCAAATTCTTGACAAGATACAAACCTTCTCTCGT[T>C]TTTGCTCAGCAACGCCTTTTCTGGCATACATCAAACTGAGCTTCTCCTGGTCCCTCATAA-3'
Protein context (NP_008835.5, residues 2742-2762): MYARKGVAEQ[Lys2752Arg]REKEIKSELK

ClinVar aggregate classification (germline): Uncertain significance (1 of 4 stars; one submission).

Submission:

Ambry Genetics
Classification: Uncertain significance. Last evaluated: 2024-01-27. Review status: criteria provided, single submitter. Criteria: Ambry Variant Classification Scheme 2023. Collection method: clinical testing. Allele origin: germline.
Comment: The p.K2752R variant (also known as c.8255A>G), located in coding exon 60 of the PRKDC gene, results from an A to G substitution at nucleotide position 8255. The lysine at codon 2752 is replaced by arginine, an amino acid with highly similar properties. This amino acid position is conserved. Based on the available evidence, the clinical significance of this alteration remains unclear.